The following is an entry in ClinVar:

NM_000537.4(REN):c.265G>A (p.Glu89Lys)

Gene: REN (renin; minus strand). Cytogenetic location: 1q32.1.
Variant type: single nucleotide variant.
Coding change: c.265G>A on transcript NM_000537.4 (MANE Select); coding-DNA position 265, G replaced by A.
Protein change: p.Glu89Lys; replaces glutamic acid 89 with lysine.
Molecular consequence: missense variant.
Genome position (GRCh38, 1-based): chr1:204,161,400, C>T on the plus strand (G>A on the coding strand, the complement: REN is on the minus strand). VCF-style: chr1-204161400-C-T. GRCh37 (hg19) VCF-style: chr1-204130528-C-T.
Other names: c.265G>A (NM_000537.3); short protein forms E89K.
Identifiers: ClinVar variation 1951188 (VCV001951188.7), dbSNP rs201438857, ClinGen allele CA1344986.
Genomic context (GRCh38, chr1:204,161,400, plus strand): 5'-TGGACGAACCAGTGTCAAAGACGACTTTGAAGGTCTGGGGTGGGGTGCCGATGCCAATCT[C>T]GCCATAGTACTGGGTCTGTGGGGGTAAAAAGAGAGGGCTGGAGGGGCTCAGGGGACCTTG-3'
Protein context (NP_000528.1, residues 79-99): TNYMDTQYYG[Glu89Lys]IGIGTPPQTF

ClinVar aggregate classification (germline): Uncertain significance. Review status: criteria provided, multiple submitters, no conflicts (2 of 4 stars). 2 submissions from 2 submitters: Uncertain significance (2). Last evaluated 2025-04-28.

Conditions:
Inborn genetic diseases. Identifiers: MedGen C0950123, MeSH D030342.

Allele frequency attached by ClinVar (database versions not stated): gnomAD exomes 0.00001; TOPMed 0.00001; ExAC 0.00003; gnomAD 0.00003; 1000 Genomes Project 30x 0.00031; 1000 Genomes Project 0.00040.
gnomAD v4.1: 20 of 1,588,658 alleles (0.0013%); highest among the groups gnomAD compares: Middle Eastern, 0.033%; no homozygotes.

Submissions (2):

Labcorp Genetics (formerly Invitae), Labcorp
Classification: Uncertain significance. Last evaluated: 2025-04-28. Review status: criteria provided, single submitter. Criteria: Invitae Variant Classification Sherloc (09022015). Collection method: clinical testing. Allele origin: germline.
Comment: This sequence change replaces glutamic acid, which is acidic and polar, with lysine, which is basic and polar, at codon 89 of the REN protein (p.Glu89Lys). This variant is present in population databases (rs201438857, gnomAD 0.007%). This variant has not been reported in the literature in individuals affected with REN-related conditions. ClinVar contains an entry for this variant (Variation ID: 1951188). Invitae Evidence Modeling of protein sequence and biophysical properties (such as structural, functional, and spatial information, amino acid conservation, physicochemical variation, residue mobility, and thermodynamic stability) indicates that this missense variant is not expected to disrupt REN protein function with a negative predictive value of 80%. In summary, the available evidence is currently insufficient to determine the role of this variant in disease. Therefore, it has been classified as a Variant of Uncertain Significance.

Ambry Genetics
Classification: Uncertain significance for Inborn genetic diseases. Last evaluated: 2023-07-25. Review status: criteria provided, single submitter. Criteria: Ambry Variant Classification Scheme 2023. Collection method: clinical testing. Allele origin: germline.